The following is an entry in ClinVar:

ClinVar aggregate classification (germline): Uncertain significance. Review status: criteria provided, multiple submitters, no conflicts (2 of 4 stars). 2 submissions from 2 submitters: Uncertain significance (2). Last evaluated 2025-04-28.

Allele frequency attached by ClinVar (database versions not stated): gnomAD exomes below 0.00001 and 0.00001; gnomAD 0.00001 and 0.00002; ExAC 0.00002; TOPMed 0.00002; 1000 Genomes Project 30x 0.00016; 1000 Genomes Project 0.00020.
gnomAD v4.1: 5 of 1,613,124 alleles (0.00031%); highest among the groups gnomAD compares: African/African-American, 0.004%; no homozygotes.

Submissions (2):

Labcorp Genetics (formerly Invitae), Labcorp
Classification: Uncertain significance. Last evaluated: 2025-04-28. Review status: criteria provided, single submitter. Criteria: Invitae Variant Classification Sherloc (09022015). Collection method: clinical testing. Allele origin: germline.
Comment: This sequence change replaces valine, which is neutral and non-polar, with isoleucine, which is neutral and non-polar, at codon 89 of the MTTP protein (p.Val89Ile). This variant is present in population databases (rs564887978, gnomAD 0.008%). This variant has not been reported in the literature in individuals affected with MTTP-related conditions. ClinVar contains an entry for this variant (Variation ID: 1005881). Invitae Evidence Modeling of protein sequence and biophysical properties (such as structural, functional, and spatial information, amino acid conservation, physicochemical variation, residue mobility, and thermodynamic stability) indicates that this missense variant is not expected to disrupt MTTP protein function with a negative predictive value of 80%. In summary, the available evidence is currently insufficient to determine the role of this variant in disease. Therefore, it has been classified as a Variant of Uncertain Significance.

GeneDx
Classification: Uncertain significance. Last evaluated: 2024-05-05. Review status: criteria provided, single submitter. Criteria: GeneDx Variant Classification Process June 2021. Collection method: clinical testing. Allele origin: germline. Affected: yes.
Comment: Not observed at significant frequency in large population cohorts (gnomAD); In silico analysis indicates that this missense variant does not alter protein structure/function; Has not been previously published as pathogenic or benign to our knowledge

NM_001386140.1(MTTP):c.265G>A (p.Val89Ile)

Gene: MTTP (microsomal triglyceride transfer protein; plus strand). Cytogenetic location: 4q23.
Variant type: single nucleotide variant.
Coding change: c.265G>A on transcript NM_001386140.1 (MANE Select); coding-DNA position 265, G replaced by A.
Protein change: p.Val89Ile; replaces valine 89 with isoleucine.
Molecular consequence: missense variant.
Genome position (GRCh38, 1-based): chr4:99,583,389, G>A. VCF-style: chr4-99583389-G-A. GRCh37 (hg19) VCF-style: chr4-100504546-G-A.
Other names: c.265G>A, p.Val89Ile (NM_000253.4); c.16G>A, p.Val6Ile (NM_001300785.2); c.265G>A (NM_000253.2); short protein forms V6I, V89I.
Identifiers: ClinVar variation 1005881 (VCV001005881.6), dbSNP rs564887978, ClinGen allele CA3021794.
Genomic context (GRCh38, chr4:99,583,389, plus strand): 5'-AGATATAGGAAGTTTTTTTTAACAGCTTTCTTTCTGTTACTCCAGATGAAGGATGTAAAT[G>A]TTGAAAATGTGAATCAGCAGAGAGGAGAGAAGAGCATCTTCAAAGGAAAAAGCCCATCTA-3'
Protein context (NP_001373069.1, residues 79-99): LIQITMKDVN[Val89Ile]ENVNQQRGEK